The following is an entry in ClinVar:

ClinVar aggregate classification (germline): Uncertain significance (1 of 4 stars; one submission).

Conditions:
Inborn genetic diseases. Identifiers: MedGen C0950123, MeSH D030342.

Allele frequency attached by ClinVar (database versions not stated): gnomAD exomes below 0.00001; TOPMed below 0.00001; ExAC 0.00001.
gnomAD v4.1: 2 of 1,605,644 alleles (0.00012%); highest among the groups gnomAD compares: African/African-American, 0.0027%; no homozygotes.

Submission:

Ambry Genetics
Classification: Uncertain significance for Inborn genetic diseases. Last evaluated: 2022-09-22. Review status: criteria provided, single submitter. Criteria: Ambry Variant Classification Scheme 2023. Collection method: clinical testing. Allele origin: germline.
Comment: The c.4850G>A (p.G1617E) alteration is located in exon 16 (coding exon 16) of the ARID2 gene. This alteration results from a G to A substitution at nucleotide position 4850, causing the glycine (G) at amino acid position 1617 to be replaced by a glutamic acid (E). This amino acid position is poorly conserved in available vertebrate species. Based on insufficient or conflicting evidence, the clinical significance of this alteration remains unclear.

NM_152641.4(ARID2):c.4850G>A (p.Gly1617Glu)

Gene: ARID2 (AT-rich interaction domain 2; plus strand). Cytogenetic location: 12q12.
Variant type: single nucleotide variant.
Coding change: c.4850G>A on transcript NM_152641.4 (MANE Select); coding-DNA position 4850, G replaced by A.
Protein change: p.Gly1617Glu; replaces glycine 1617 with glutamic acid.
Molecular consequence: missense variant.
Genome position (GRCh38, 1-based): chr12:45,860,877, G>A. VCF-style: chr12-45860877-G-A. GRCh37 (hg19) VCF-style: chr12-46254660-G-A.
Other names: c.4850G>A, p.Gly1617Glu (NM_001347839.2); short protein forms G1617E.
Identifiers: ClinVar variation 2313095 (VCV002313095.2), dbSNP rs778721115, ClinGen allele CA6526740.